The following is an entry in ClinVar:

NM_004046.6(ATP5F1A):c.544C>T (p.Arg182Ter)

Gene: ATP5F1A (ATP synthase F1 subunit alpha; minus strand). Cytogenetic location: 18q21.1.
Variant type: single nucleotide variant.
Coding change: c.544C>T on transcript NM_004046.6 (MANE Select); coding-DNA position 544, C replaced by T.
Protein change: p.Arg182Ter; replaces arginine 182 with a stop codon.
Molecular consequence: nonsense.
Genome position (GRCh38, 1-based): chr18:46,089,672, G>A on the plus strand (C>T on the coding strand, the complement: ATP5F1A is on the minus strand). VCF-style: chr18-46089672-G-A. GRCh37 (hg19) VCF-style: chr18-43669638-G-A.
Other names: c.394C>T, p.Arg132Ter (NM_001001935.3, NM_001257335.2); c.544C>T, p.Arg182Ter (NM_001001937.2); c.478C>T, p.Arg160Ter (NM_001257334.2); short protein forms R132*, R160*, R182*.
Identifiers: ClinVar variation 3361740 (VCV003361740.1).

ClinVar aggregate classification (germline): Uncertain significance (1 of 4 stars; one submission).

Submission:

GeneDx
Classification: Uncertain significance. Last evaluated: 2023-08-01. Review status: criteria provided, single submitter. Criteria: GeneDx Variant Classification Process June 2021. Collection method: clinical testing. Allele origin: germline. Affected: yes.
Comment: Not observed at significant frequency in large population cohorts (gnomAD); Nonsense variant predicted to result in protein truncation or nonsense mediated decay in a gene or region of a gene for which loss of function is not a well-established mechanism of disease; Has not been previously published as pathogenic or benign to our knowledge